The following is an entry in ClinVar:

ClinVar aggregate classification (germline): Benign. Review status: criteria provided, single submitter (1 of 4 stars). 2 submissions from 2 submitters: Benign (1). 1 of the submissions does not count toward it. Last evaluated 2025-10-21.

Conditions:
Kabuki syndrome. Also called: Kabuki make-up syndrome; NIIKAWA-KUROKI SYNDROME. Identifiers: Orphanet 2322, MedGen C0796004, MONDO:0016512.
KMT2D-related disorder. Also called: KMT2D-Related Disorders.

Allele frequency attached by ClinVar (database versions not stated): gnomAD exomes 0.00002 and 0.00001; gnomAD 0.00001; TOPMed below 0.00001; ExAC 0.00001.
gnomAD v4.1: 13 of 1,613,628 alleles (0.00081%); highest among the groups gnomAD compares: South Asian, 0.0055%; no homozygotes.

Submissions (2):

Labcorp Genetics (formerly Invitae), Labcorp
Classification: Benign for Kabuki syndrome. Last evaluated: 2025-10-21. Review status: criteria provided, single submitter. Criteria: Invitae Variant Classification Sherloc (09022015). Collection method: clinical testing. Allele origin: germline.

PreventionGenetics, part of Exact Sciences
Classification: Uncertain significance for KMT2D-related condition. Last evaluated: 2024-08-21. Review status: no assertion criteria provided. Collection method: clinical testing. Allele origin: germline. Not counted in ClinVar's aggregate classification.
Comment: The KMT2D c.7591C>T variant is predicted to result in the amino acid substitution p.Pro2531Ser. To our knowledge, this variant has not been reported in the literature. This variant is reported in 0.0056% of alleles in individuals of East Asian descent in gnomAD. Although we suspect that this variant may be benign, at this time, the clinical significance of this variant is uncertain due to the absence of conclusive functional and genetic evidence.

NM_003482.4(KMT2D):c.7591C>T (p.Pro2531Ser)

Gene: KMT2D (lysine methyltransferase 2D; minus strand). Cytogenetic location: 12q13.12.
Variant type: single nucleotide variant.
Coding change: c.7591C>T on transcript NM_003482.4 (MANE Select); coding-DNA position 7591, C replaced by T.
Protein change: p.Pro2531Ser; replaces proline 2531 with serine.
Molecular consequence: missense variant.
Genome position (GRCh38, 1-based): chr12:49,040,179, G>A on the plus strand (C>T on the coding strand, the complement: KMT2D is on the minus strand). VCF-style: chr12-49040179-G-A. GRCh37 (hg19) VCF-style: chr12-49433962-G-A.
Other names: c.7591C>T (NM_003482.3); short protein forms P2531S.
Identifiers: ClinVar variation 998624 (VCV000998624.9), dbSNP rs371432516, ClinGen allele CA6547031.